The following is an entry in ClinVar:

ClinVar aggregate classification (germline): Conflicting classifications of pathogenicity. Review status: criteria provided, conflicting classifications (1 of 4 stars). 10 submissions from 10 submitters: Uncertain significance (8); Likely benign (2). Last evaluated 2026-08-14.

Conditions:
CEBPA-related disorder. Also called: CEBPA-related condition.
Autosomal dominant familial acute myeloid leukemia.
Acute myeloid leukemia (AML). Also called: Acute myeloid leukemia, adult; AML adult; Acute non-lymphocytic leukemia; Acute granulocytic leukemia; Leukemia, acute myelogenous, somatic; Leukemia, acute myeloid, somatic. Identifiers: Orphanet 519, MedGen C0023467, MeSH D015470, MONDO:0018874, OMIM 601626, HP:0004808. Disease mechanism: Constitutively activated FLT3.
Inborn genetic diseases. Identifiers: MedGen C0950123, MeSH D030342.

Allele frequency attached by ClinVar (database versions not stated): ExAC below 0.00001; 1000 Genomes Project 30x 0.00016; 1000 Genomes Project 0.00020; gnomAD 0.00031 and 0.00033; gnomAD exomes 0.00033; TOPMed 0.00035.
gnomAD v4.1: 963 of 1,166,366 alleles (0.083%); highest among the groups gnomAD compares: Non-Finnish European, 0.095%; no homozygotes.

Submissions (10):

PreventionGenetics, part of Exact Sciences
Classification: Uncertain significance for CEBPA-related condition. Last evaluated: 2026-08-14. Review status: criteria provided, single submitter. Criteria: ACMG Guidelines, 2015. Collection method: clinical testing. Allele origin: germline.
Comment: The CEBPA c.724G>A variant is predicted to result in the amino acid substitution p.Gly242Ser. This variant has been reported in the literature in an individual with CLL that had a family history of hematological malignancies with solid tumors (El Abed et al. 2009. PubMed ID: 19731081). This variant is reported in 0.031% of alleles in individuals of European (Non-Finnish) descent in gnomAD. This variant has conflicting interpretations in ClinVar ranging from uncertain to likely benign (Variation ID: 239927). Although we suspect that this variant may be benign, at this time, the clinical significance of this variant is uncertain due to the absence of conclusive functional and genetic evidence.

St. Jude Molecular Pathology, St. Jude Children's Research Hospital
Classification: Uncertain significance for Acute myeloid leukemia. Last evaluated: 2026-02-20. Review status: criteria provided, single submitter. Criteria: St. Jude Assertion Criteria 2020. Collection method: clinical testing. Allele origin: germline.
Comment: The CEBPA c.724G>A p.(Gly242Ser) missense change has a maximum subpopulation frequency of 0.031% in gnomAD v2.1.1. The i n silico tool REVEL predicts a benign effect on protein function, but to our knowledge this prediction has not been confirmed by functional studies. This variant has been reported in an individual diagnosed with chronic lymphocytic leukemia with a family history of hematological malignancies and solid tumors (PMID: 19731081). To our knowledge, this variant has not been reported in individuals with familial acute myeloid leukemia. In summary, the evidence currently available is insufficient to determine the clinical significance of this variant. It has therefore been classified as of uncertain significance.

Labcorp Genetics (formerly Invitae), Labcorp
Classification: Uncertain significance for Acute myeloid leukemia. Last evaluated: 2025-11-12. Review status: criteria provided, single submitter. Criteria: Invitae Variant Classification Sherloc (09022015). Collection method: clinical testing. Allele origin: germline.
Comment: This sequence change replaces glycine, which is neutral and non-polar, with serine, which is neutral and polar, at codon 242 of the CEBPA protein (p.Gly242Ser). This variant is present in population databases (rs530569305, gnomAD 0.03%). This missense change has been observed in individual(s) with familial hematological malignancies with solid tumors (PMID: 19731081). ClinVar contains an entry for this variant (Variation ID: 239927). An algorithm developed to predict the effect of missense changes on protein structure and function (PolyPhen-2) suggests that this variant is likely to be tolerated. In summary, the available evidence is currently insufficient to determine the role of this variant in disease. Therefore, it has been classified as a Variant of Uncertain Significance.

GeneDx
Classification: Uncertain significance. Last evaluated: 2025-09-02. Review status: criteria provided, single submitter. Criteria: GeneDx Variant Classification Process June 2021. Collection method: clinical testing. Allele origin: germline.
Comment: Observed in an individual with chronic lymphocytic leukemia (PMID: 19731081); In silico analysis suggests that this missense variant does not alter protein structure/function; This variant is associated with the following publications: (PMID: 19731081)

Genetic Services Laboratory, University of Chicago
Classification: Uncertain significance. Last evaluated: 2025-01-03. Review status: criteria provided, single submitter. Criteria: ACMG Guidelines, 2015. Collection method: clinical testing. Allele origin: germline.
Comment: DNA sequence analysis of the CEBPA gene demonstrated a sequence change, c.724G>A, in exon 1 that results in an amino acid change, p.Gly242Ser. This sequence change does not appear to have been previously described in individuals with CEBPA-related disorders. This sequence change has been described in the gnomAD database with a frequency of 0.09% in the European subpopulation (dbSNP rs530569305). The p.Gly242Ser change affects a poorly conserved amino acid residue located in a domain of the CEBPA protein that is known to be functional. The p.Gly242Ser substitution appears to be benign using several in-silico pathogenicity prediction tools (SIFT, PolyPhen2, Align GVGD, REVEL). Due to insufficient evidences and the lack of functional studies, the clinical significance of the p.Gly242Ser change remains unknown at this time.

Ambry Genetics
Classification: Likely benign for Inborn genetic diseases. Last evaluated: 2024-12-05. Review status: criteria provided, single submitter. Criteria: Ambry Variant Classification Scheme 2023. Collection method: clinical testing. Allele origin: germline.

Blueprint Genetics
Classification: Likely benign. Last evaluated: 2024-10-11. Review status: criteria provided, single submitter. Criteria: ACMG Guidelines, 2015. Collection method: clinical testing. Allele origin: germline.

Baylor Genetics
Classification: Uncertain significance for Acute myeloid leukemia. Last evaluated: 2024-03-15. Review status: criteria provided, single submitter. Criteria: ACMG Guidelines, 2015. Collection method: clinical testing. Allele origin: unknown.

CeGaT Center for Human Genetics Tuebingen
Classification: Uncertain significance. Last evaluated: 2024-02-01. Review status: criteria provided, single submitter. Criteria: CeGaT Center For Human Genetics Tuebingen Variant Classification Criteria Version 2. Collection method: clinical testing. Allele origin: germline. Affected: yes. Observed: 1 variant allele.

Fulgent Genetics
Classification: Uncertain significance for Acute myeloid leukemia. Last evaluated: 2018-10-31. Review status: criteria provided, single submitter. Criteria: ACMG Guidelines, 2015. Collection method: clinical testing. Allele origin: unknown.

Literature cited by the submitters: PubMed 19731081 (cited by Labcorp Genetics (formerly Invitae), Labcorp).

NM_004364.5(CEBPA):c.724G>A (p.Gly242Ser)

Gene: CEBPA (CCAAT enhancer binding protein alpha; minus strand). Cytogenetic location: 19q13.11.
Variant type: single nucleotide variant.
Coding change: c.724G>A on transcript NM_004364.5 (MANE Select); coding-DNA position 724, G replaced by A.
Protein change: p.Gly242Ser; replaces glycine 242 with serine.
Molecular consequence: missense variant.
Genome position (GRCh38, 1-based): chr19:33,301,691, C>T on the plus strand (G>A on the coding strand, the complement: CEBPA is on the minus strand). VCF-style: chr19-33301691-C-T. GRCh37 (hg19) VCF-style: chr19-33792597-C-T.
Other names: c.367G>A, p.Gly123Ser (NM_001285829.2); c.829G>A, p.Gly277Ser (NM_001287424.2); c.682G>A, p.Gly228Ser (NM_001287435.2); short protein forms G242S, G123S, G228S, G277S.
Identifiers: ClinVar variation 239927 (VCV000239927.49), dbSNP rs530569305, ClinGen allele CA9363699.